The following is an entry in ClinVar:

ClinVar aggregate classification (germline): Uncertain significance. Review status: reviewed by expert panel (3 of 4 stars). 3 submissions from 3 submitters: Uncertain significance (1). 2 of the submissions do not count toward it. Last evaluated 2025-07-11.

Conditions:
Inborn genetic diseases. Identifiers: MedGen C0950123, MeSH D030342.
Hereditary thrombocytopenia and hematologic cancer predisposition syndrome. Identifiers: Orphanet 71290, MedGen CN281654, MONDO:0011071.
Hereditary thrombocytopenia and hematological cancer predisposition syndrome associated with RUNX1. Also called: RUNX1 Familial Platelet Disorder with Associated Myeloid Malignancies; Familial Platelet Disorder with Propensity to Acute Myelogenous Leukemia; Familial thrombocytopenia with propensity to acute myelogenous leukemia; PLATELET DISORDER, ASPIRIN-LIKE. Identifiers: Orphanet 71290, MedGen C1832388, MeSH C563324, MONDO:0100083, OMIM 601399.

gnomAD v4.1: 2 of 1,612,820 alleles (0.00012%); highest among the groups gnomAD compares: Non-Finnish European, 0.00017%; no homozygotes.

Submissions (3):

ClinGen Myeloid Malignancy Variant Curation Expert Panel
Classification: Uncertain significance for Hereditary thrombocytopenia and hematologic cancer predisposition syndrome. Last evaluated: 2025-07-11. Review status: reviewed by expert panel. Criteria: ClinGen MyeloMalig ACMG Specifications v2. Collection method: curation. Allele origin: germline. Inheritance: Autosomal dominant inheritance.
Comment: NM_001754.5(RUNX1):c.700A>G (p.Thr234Ala) is a missene variant which is completely absent from all population databases with at least 20x coverage for RUNX1 (PM2_Supporting). In summary, the clinical significance of this variant is uncertain. ACMG/AMP criteria applied, as specified by the Myeloid Malignancy Variant Curation Expert Panel for RUNX1: PM2_supporting.

Labcorp Genetics (formerly Invitae), Labcorp
Classification: Uncertain significance for Hereditary thrombocytopenia and hematological cancer predisposition syndrome associated with RUNX1. Last evaluated: 2025-06-03. Review status: criteria provided, single submitter. Criteria: Invitae Variant Classification Sherloc (09022015). Collection method: clinical testing. Allele origin: germline. Not counted in ClinVar's aggregate classification.
Comment: This sequence change replaces threonine, which is neutral and polar, with alanine, which is neutral and non-polar, at codon 234 of the RUNX1 protein (p.Thr234Ala). This variant is not present in population databases (gnomAD no frequency). This variant has not been reported in the literature in individuals affected with RUNX1-related conditions. ClinVar contains an entry for this variant (Variation ID: 3791469). Invitae Evidence Modeling of protein sequence and biophysical properties (such as structural, functional, and spatial information, amino acid conservation, physicochemical variation, residue mobility, and thermodynamic stability) has been performed for this missense variant. However, the output from this modeling did not meet the statistical confidence thresholds required to predict the impact of this variant on RUNX1 protein function. In summary, the available evidence is currently insufficient to determine the role of this variant in disease. Therefore, it has been classified as a Variant of Uncertain Significance.

Ambry Genetics
Classification: Uncertain significance for Inborn genetic diseases. Last evaluated: 2024-12-25. Review status: criteria provided, single submitter. Criteria: Ambry Variant Classification Scheme 2023. Collection method: clinical testing. Allele origin: germline. Not counted in ClinVar's aggregate classification.
Comment: The p.T234A variant (also known as c.700A>G), located in coding exon 6 of the RUNX1 gene, results from an A to G substitution at nucleotide position 700. The threonine at codon 234 is replaced by alanine, an amino acid with similar properties. This amino acid position is conserved. In addition, the in silico prediction for this alteration is inconclusive. Based on the available evidence, the clinical significance of this variant remains unclear.

NM_001754.5(RUNX1):c.700A>G (p.Thr234Ala)

Gene: RUNX1 (RUNX family transcription factor 1; minus strand). Cytogenetic location: 21q22.12.
Variant type: single nucleotide variant.
Coding change: c.700A>G on transcript NM_001754.5 (MANE Select); coding-DNA position 700, A replaced by G.
Protein change: p.Thr234Ala; replaces threonine 234 with alanine.
Molecular consequence: missense variant.
Genome position (GRCh38, 1-based): chr21:34,834,515, T>C on the plus strand (A>G on the coding strand, the complement: RUNX1 is on the minus strand). VCF-style: chr21-34834515-T-C. GRCh37 (hg19) VCF-style: chr21-36206812-T-C.
Other names: NM_001754.5(RUNX1):c.700A>G; p.Thr234Ala; c.619A>G, p.Thr207Ala (NM_001001890.3, NM_001122607.2); short protein forms T234A, T207A.
Identifiers: ClinVar variation 3791469 (VCV003791469.2).
Genomic context (GRCh38, chr21:34,834,515, plus strand): 5'-TCAGGGAGGCACGAGGGTTGGGCGTGGGGGCTGGGTGGTGTGGGCTGACCCTCATGGCTG[T>C]GCGCCGCAGCTGCTCCAGTTCACTGAGCCGCTCGGAAAAGGACAAGCTCCCGGGCTTGGT-3'
Protein context (NP_001745.2, residues 224-244): RLSELEQLRR[Thr234Ala]AMRVSPHHPA